The following is an entry in ClinVar:

NM_000782.5(CYP24A1):c.-76C>T

Gene: CYP24A1 (cytochrome P450 family 24 subfamily A member 1; minus strand). Cytogenetic location: 20q13.2.
Variant type: single nucleotide variant.
Coding change: c.-76C>T on transcript NM_000782.5 (MANE Select); 76 bases upstream of the start codon, C replaced by T.
Molecular consequence: 5 prime UTR variant.
Genome position (GRCh38, 1-based): chr20:54,173,655, G>A on the plus strand (C>T on the coding strand, the complement: CYP24A1 is on the minus strand). VCF-style: chr20-54173655-G-A. GRCh37 (hg19) VCF-style: chr20-52790194-G-A.
Other names: c.-76C>T (NM_001128915.2).
Identifiers: ClinVar variation 338843 (VCV000338843.9), dbSNP rs73913755, ClinGen allele CA10644138.

ClinVar aggregate classification (germline): Benign. Review status: criteria provided, multiple submitters, no conflicts (2 of 4 stars). 3 submissions from 3 submitters: Benign (3). Last evaluated 2021-05-11.

Conditions:
Hypercalcemia, infantile, 1 (HCINF1). Identifiers: Orphanet 300547, MedGen CN031131, MONDO:0020739, OMIM 143880.

Allele frequency attached by ClinVar (database versions not stated): gnomAD exomes 0.00578; TOPMed 0.05226; gnomAD 0.04717 and 0.05036; 1000 Genomes Project 0.05012; 1000 Genomes Project 30x 0.05387.
gnomAD v4.1: 12,332 of 1,004,688 alleles (1.2%); highest among the groups gnomAD compares: African/African-American, 16%; 861 homozygotes.

Submissions (3):

GeneDx
Classification: Benign. Last evaluated: 2021-05-11. Review status: criteria provided, single submitter. Criteria: GeneDx Variant Classification Process June 2021. Collection method: clinical testing. Allele origin: germline. Affected: yes.

Illumina Laboratory Services, Illumina
Classification: Benign for Hypercalcemia, infantile, 1. Last evaluated: 2018-01-13. Review status: criteria provided, single submitter. Criteria: ICSL Variant Classification Criteria 13 December 2019. Collection method: clinical testing. Allele origin: germline.
Comment: This variant was observed in the ICSL laboratory as part of a predisposition screen in an ostensibly healthy population. It had not been previously curated by ICSL or reported in the Human Gene Mutation Database (HGMD: prior to June 1st, 2018), and was therefore a candidate for classification through an automated scoring system. Utilizing variant allele frequency, disease prevalence and penetrance estimates, and inheritance mode, an automated score was calculated to assess if this variant is too frequent to cause the disease. Based on the score and internal cut-off values, a variant classified as benign is not then subjected to further curation. The score for this variant resulted in a classification of benign for this disease.

Breakthrough Genomics
Classification: Benign. Review status: criteria provided, single submitter. Criteria: ACMG Guidelines, 2015. Collection method: not provided. Allele origin: germline. Inheritance: Autosomal recessive inheritance. Affected: yes.